The following is an entry in ClinVar:

NM_000051.4(ATM):c.4480T>C (p.Cys1494Arg)

Gene: ATM (ATM serine/threonine kinase; plus strand). Cytogenetic location: 11q22.3.
Variant type: single nucleotide variant.
Coding change: c.4480T>C on transcript NM_000051.4 (MANE Select); coding-DNA position 4480, T replaced by C.
Protein change: p.Cys1494Arg; replaces cysteine 1494 with arginine.
Molecular consequence: missense variant.
Genome position (GRCh38, 1-based): chr11:108,292,662, T>C. VCF-style: chr11-108292662-T-C. GRCh37 (hg19) VCF-style: chr11-108163389-T-C.
Other names: c.4480T>C, p.Cys1494Arg (NM_001351834.2); short protein forms C1494R.
Identifiers: ClinVar variation 407519 (VCV000407519.22), dbSNP rs1060501576, ClinGen allele CA16613054.

ClinVar aggregate classification (germline): Uncertain significance. Review status: criteria provided, multiple submitters, no conflicts (2 of 4 stars). 8 submissions from 8 submitters: Uncertain significance (7). 1 of the submissions does not count toward it. Last evaluated 2026-01-12.

Conditions:
Hereditary cancer-predisposing syndrome. Also called: Hereditary neoplastic syndrome; Neoplastic Syndromes, Hereditary; Tumor predisposition; Hereditary Cancer Syndrome. Identifiers: Orphanet 140162, MedGen C0027672, MeSH D009386, MONDO:0015356.
Familial cancer of breast. Also called: Hereditary breast cancer; hereditary breast carcinoma; BREAST CANCER, FAMILIAL. Identifiers: Orphanet 227535, MedGen C0346153, MONDO:0016419, OMIM 114480. Disease mechanism: loss of function.
ATM-related disorder. Also called: ATM-related disorders; ATM-related condition.
Ataxia-telangiectasia syndrome (AT). Also called: Ataxia telangiectasia (A-T); LOUIS-BAR SYNDROME; Cerebello-oculocutaneous telangiectasia; Immunodeficiency with ataxia telangiectasia; Ataxia-telangiectasia, complementation group D; AT, COMPLEMENTATION GROUP C. Identifiers: Orphanet 100, MedGen C0004135, MONDO:0008840, OMIM 208900.

gnomAD v4.1: 1 of 1,614,038 alleles (0.000062%); no homozygotes.

Submissions (8):

Labcorp Genetics (formerly Invitae), Labcorp
Classification: Uncertain significance for Ataxia-telangiectasia syndrome. Last evaluated: 2026-01-12. Review status: criteria provided, single submitter. Criteria: Invitae Variant Classification Sherloc (09022015). Collection method: clinical testing. Allele origin: germline.
Comment: This sequence change replaces cysteine, which is neutral and slightly polar, with arginine, which is basic and polar, at codon 1494 of the ATM protein (p.Cys1494Arg). This variant is not present in population databases (gnomAD no frequency). This variant has not been reported in the literature in individuals affected with ATM-related conditions. ClinVar contains an entry for this variant (Variation ID: 407519). Invitae Evidence Modeling of protein sequence and biophysical properties (such as structural, functional, and spatial information, amino acid conservation, physicochemical variation, residue mobility, and thermodynamic stability) has been performed for this missense variant. However, the output from this modeling did not meet the statistical confidence thresholds required to predict the impact of this variant on ATM protein function. In summary, the available evidence is currently insufficient to determine the role of this variant in disease. Therefore, it has been classified as a Variant of Uncertain Significance.

Ambry Genetics
Classification: Uncertain significance for Hereditary cancer-predisposing syndrome. Last evaluated: 2025-03-21. Review status: criteria provided, single submitter. Criteria: Ambry Variant Classification Scheme 2023. Collection method: clinical testing. Allele origin: germline.
Comment: The p.C1494R variant (also known as c.4480T>C), located in coding exon 29 of the ATM gene, results from a T to C substitution at nucleotide position 4480. The cysteine at codon 1494 is replaced by arginine, an amino acid with highly dissimilar properties. This amino acid position is highly conserved in available vertebrate species. In addition, this alteration is predicted to be deleterious by in silico analysis. Based on the available evidence, the clinical significance of this variant remains unclear.

Quest Diagnostics Nichols Institute San Juan Capistrano
Classification: Uncertain significance. Last evaluated: 2024-04-30. Review status: criteria provided, single submitter. Criteria: Quest Diagnostics criteria. Collection method: clinical testing. Allele origin: unknown.
Comment: The ATM c.4480T>C (p.Cys1494Arg) variant has not been reported in individuals with ATM-related conditions in the published literature. It also has not been reported in large, multi-ethnic general populations (Genome Aggregation Database). Analysis of this variant using bioinformatics tools for the prediction of the effect of amino acid changes on protein structure and function yielded predictions that this variant is damaging. Based on the available information, we are unable to determine the clinical significance of this variant.

Baylor Genetics
Classification: Uncertain significance for Familial cancer of breast. Last evaluated: 2024-03-03. Review status: criteria provided, single submitter. Criteria: ACMG Guidelines, 2015. Collection method: clinical testing. Allele origin: unknown.

PreventionGenetics, part of Exact Sciences
Classification: Uncertain significance for ATM-related condition. Last evaluated: 2023-02-07. Review status: criteria provided, single submitter. Criteria: ACMG Guidelines, 2015. Collection method: clinical testing. Allele origin: germline.
Comment: The ATM c.4480T>C variant is predicted to result in the amino acid substitution p.Cys1494Arg. To our knowledge, this variant has not been reported in the literature or in a large population database, indicating this variant is rare. In ClinVar, this variant has been interpreted as uncertain. At this time, the clinical significance of this variant is uncertain due to the absence of conclusive functional and genetic evidence.

Color Diagnostics, LLC DBA Color Health
Classification: Uncertain significance for Hereditary cancer-predisposing syndrome. Last evaluated: 2022-06-21. Review status: criteria provided, single submitter. Criteria: ACMG Guidelines, 2015. Collection method: clinical testing. Allele origin: germline.
Comment: This missense variant replaces cysteine with arginine at codon 1494 of the ATM protein. Computational prediction suggests that this variant may have deleterious impact on protein structure and function (internally defined REVEL score threshold >= 0.7, PMID: 27666373). To our knowledge, functional studies have not been reported for this variant. This variant has not been reported in individuals affected with hereditary cancer in the literature. This variant has not been identified in the general population by the Genome Aggregation Database (gnomAD). The available evidence is insufficient to determine the role of this variant in disease conclusively. Therefore, this variant is classified as a Variant of Uncertain Significance.

GeneDx
Classification: Uncertain significance. Last evaluated: 2019-10-18. Review status: criteria provided, single submitter. Criteria: GeneDx Variant Classification Process June 2021. Collection method: clinical testing. Allele origin: germline. Affected: yes.
Comment: Not observed in large population cohorts (Lek et al., 2016); In silico analysis, which includes protein predictors and evolutionary conservation, supports a deleterious effect; Has not been previously published as pathogenic or benign to our knowledge

Natera, Inc.
Classification: Uncertain significance for Ataxia-telangiectasia. Last evaluated: 2020-04-17. Review status: no assertion criteria provided. Collection method: clinical testing. Allele origin: germline. Not counted in ClinVar's aggregate classification.